The following is an entry in ClinVar:

NM_001297595.2(SIN3B):c.2240A>G (p.Asn747Ser)

Gene: SIN3B (SIN3 transcription regulator family member B; plus strand). Cytogenetic location: 19p13.11.
Variant type: single nucleotide variant.
Coding change: c.2240A>G on transcript NM_001297595.2 (MANE Select); coding-DNA position 2240, A replaced by G.
Protein change: p.Asn747Ser; replaces asparagine 747 with serine.
Molecular consequence: missense variant.
Genome position (GRCh38, 1-based): chr19:16,869,893, A>G. VCF-style: chr19-16869893-A-G. GRCh37 (hg19) VCF-style: chr19-16980704-A-G.
Other names: c.1010A>G, p.Asn337Ser (NM_001297597.2); c.2336A>G, p.Asn779Ser (NM_015260.4); short protein forms N337S, N747S, N779S.
Identifiers: ClinVar variation 3360333 (VCV003360333.1).

ClinVar aggregate classification (germline): Uncertain significance (1 of 4 stars; one submission).

Submission:

GeneDx
Classification: Uncertain significance. Last evaluated: 2023-06-23. Review status: criteria provided, single submitter. Criteria: GeneDx Variant Classification Process June 2021. Collection method: clinical testing. Allele origin: germline. Affected: yes.
Comment: Not observed at significant frequency in large population cohorts (gnomAD); In silico analysis supports that this missense variant has a deleterious effect on protein structure/function; In silico analysis suggests this variant may impact gene splicing. In the absence of RNA/functional studies, the actual effect of this sequence change is unknown.; Has not been previously published as pathogenic or benign to our knowledge